The following is an entry in ClinVar:

ClinVar aggregate classification (germline): Likely pathogenic (1 of 4 stars; one submission).

Conditions:
Febrile seizures, familial, 8 (FEB8). Also called: CONVULSIONS, FAMILIAL FEBRILE, 8. Identifiers: Orphanet 36387, MedGen C1969810, MONDO:0011891, OMIM 607681.
EPILEPSY, CHILDHOOD ABSENCE, SUSCEPTIBILITY TO, 2 (ECA2). Identifiers: Orphanet 64280, MedGen C1843244, OMIM 607681.

Submission:

Labcorp Genetics (formerly Invitae), Labcorp
Classification: Likely pathogenic for Febrile seizures, familial, 8; EPILEPSY, CHILDHOOD ABSENCE, SUSCEPTIBILITY TO, 2. Last evaluated: 2020-02-17. Review status: criteria provided, single submitter. Criteria: Invitae Variant Classification Sherloc (09022015). Collection method: clinical testing. Allele origin: germline.
Comment: Algorithms developed to predict the effect of sequence changes on RNA splicing suggest that this variant may disrupt the consensus splice site, but this prediction has not been confirmed by published transcriptional studies. In summary, the currently available evidence indicates that the variant is pathogenic, but additional data are needed to prove that conclusively. Therefore, this variant has been classified as Likely Pathogenic. Donor and acceptor splice site variants typically lead to a loss of protein function (PMID: 16199547), and loss-of-function variants in GABRG2 are known to be pathogenic (PMID: 22539854, 22750526, 23720301, 24407264). This variant has not been reported in the literature in individuals with GABRG2-related conditions. This variant is not present in population databases (ExAC no frequency). This sequence change affects a donor splice site in intron 1 of the GABRG2 gene. It is expected to disrupt RNA splicing and likely results in an absent or disrupted protein product.

Literature cited by the submitters: PubMed 16199547; PubMed 22539854; PubMed 22750526; PubMed 23720301; PubMed 24407264.

NM_198904.4(GABRG2):c.107+1G>A

Gene: GABRG2 (gamma-aminobutyric acid type A receptor subunit gamma2; plus strand). Cytogenetic location: 5q34.
Variant type: single nucleotide variant.
Coding change: c.107+1G>A on transcript NM_198904.4 (MANE Select); the canonical splice donor site of the intron after coding-DNA position 107, G replaced by A.
Molecular consequence: splice donor variant. On other transcripts: intron variant (1).
Genome position (GRCh38, 1-based): chr5:162,068,107, G>A. VCF-style: chr5-162068107-G-A. GRCh37 (hg19) VCF-style: chr5-161495113-G-A.
Other names: c.-300+1G>A (NM_001375349.1); c.107+1G>A (NM_001375343.1, NM_001375344.1, NM_001375340.1 and 5 more transcripts); c.-252+1G>A (NM_001375350.1, NM_001375348.1); c.41+1G>A (NM_001375346.1, NM_001375345.1); c.20+466G>A (NM_001375347.1).
Identifiers: ClinVar variation 838924 (VCV000838924.8), dbSNP rs1758364128, ClinGen allele CA362181925.